The following is an entry in ClinVar:

NM_001042492.3(NF1):c.4577+3A>G

Gene: NF1 (neurofibromin 1; plus strand). Cytogenetic location: 17q11.2.
Variant type: single nucleotide variant.
Coding change: c.4577+3A>G on transcript NM_001042492.3 (MANE Select); 3 bases into the intron after coding-DNA position 4577, A replaced by G.
Molecular consequence: intron variant.
Genome position (GRCh38, 1-based): chr17:31,260,518, A>G. VCF-style: chr17-31260518-A-G. GRCh37 (hg19) VCF-style: chr17-29587536-A-G.
Other names: c.4514+3A>G (NM_000267.4).
Identifiers: ClinVar variation 404421 (VCV000404421.14), dbSNP rs1060500246, ClinGen allele CA16615525.

ClinVar aggregate classification (germline): Conflicting classifications of pathogenicity. Review status: criteria provided, conflicting classifications (1 of 4 stars). 3 submissions from 3 submitters: Uncertain significance (2); Likely benign (1). Last evaluated 2025-09-13.

Conditions:
Hereditary cancer-predisposing syndrome. Also called: Tumor predisposition; Neoplastic Syndromes, Hereditary; Hereditary Cancer Syndrome; Hereditary neoplastic syndrome. Identifiers: Orphanet 140162, MedGen C0027672, MeSH D009386, MONDO:0015356.
Cardiovascular phenotype. Identifiers: MedGen CN230736.
Neurofibromatosis, type 1 (NF1). Also called: Neurofibromatosis, type I; NEUROFIBROMATOSIS, TYPE I, SOMATIC; Peripheral type neurofibromatosis; VON RECKLINGHAUSEN DISEASE. Identifiers: Orphanet 636, MedGen C0027831, MONDO:0018975, OMIM 162200. Disease mechanism: loss of function.

Allele frequency attached by ClinVar (database versions not stated): TOPMed below 0.00001; gnomAD 0.00001; gnomAD exomes 0.00002.
gnomAD v4.1: 15 of 1,613,716 alleles (0.00093%); highest among the groups gnomAD compares: East Asian, 0.031%; no homozygotes.

Submissions (3):

Labcorp Genetics (formerly Invitae), Labcorp
Classification: Likely benign for Neurofibromatosis, type 1. Last evaluated: 2025-09-13. Review status: criteria provided, single submitter. Criteria: Invitae Variant Classification Sherloc (09022015). Collection method: clinical testing. Allele origin: germline.

Genome-Nilou Lab
Classification: Uncertain significance for Neurofibromatosis, type 1. Last evaluated: 2022-03-15. Review status: criteria provided, single submitter. Criteria: ACMG Guidelines, 2015. Collection method: clinical testing. Allele origin: germline. Affected: no.

Ambry Genetics
Classification: Uncertain significance for Cardiovascular phenotype; Hereditary cancer-predisposing syndrome. Last evaluated: 2021-08-24. Review status: criteria provided, single submitter. Criteria: Ambry Variant Classification Scheme 2023. Collection method: clinical testing. Allele origin: germline.
Comment: The c.4514+3A>G intronic variant results from an A to G substitution 3 nucleotides after coding exon 33 in the NF1 gene. This nucleotide position is not well conserved in available vertebrate species. In silico splice site analysis predicts that this alteration will not have any significant effect on splicing; however, direct evidence is insufficient at this time (Ambry internal data). Since supporting evidence is limited at this time, the clinical significance of this alteration remains unclear.